The following is an entry in ClinVar:

NM_133642.5(LARGE1):c.2099A>G (p.Asn700Ser)

Gene: LARGE1 (LARGE xylosyl- and glucuronyltransferase 1; minus strand). Cytogenetic location: 22q12.3.
Variant type: single nucleotide variant.
Coding change: c.2099A>G on transcript NM_133642.5 (MANE Select); coding-DNA position 2099, A replaced by G.
Protein change: p.Asn700Ser; replaces asparagine 700 with serine.
Molecular consequence: missense variant.
Genome position (GRCh38, 1-based): chr22:33,274,599, T>C on the plus strand (A>G on the coding strand, the complement: LARGE1 is on the minus strand). VCF-style: chr22-33274599-T-C. GRCh37 (hg19) VCF-style: chr22-33670585-T-C.
Other names: c.2099A>G, p.Asn700Ser (NM_001362949.2, NM_001362951.2, NM_001362953.2 and 4 more transcripts); c.1952A>G, p.Asn651Ser (NM_001378627.1, NM_001378628.1); c.1943A>G, p.Asn648Ser (NM_001378629.1); c.1496A>G, p.Asn499Ser (NM_001378630.1); c.1193A>G, p.Asn398Ser (NM_001378631.1); short protein forms N398S, N700S, N499S, N648S, N651S.
Identifiers: ClinVar variation 2284040 (VCV002284040.3), dbSNP rs201642924, ClinGen allele CA10202559.

ClinVar aggregate classification (germline): Uncertain significance. Review status: criteria provided, multiple submitters, no conflicts (2 of 4 stars). 2 submissions from 2 submitters: Uncertain significance (2). Last evaluated 2024-10-11.

Conditions:
Inborn genetic diseases. Identifiers: MedGen C0950123, MeSH D030342.
Muscular dystrophy-dystroglycanopathy type B6 (MDDGB6). Also called: MUSCULAR DYSTROPHY, CONGENITAL, LARGE-RELATED; MUSCULAR DYSTROPHY, CONGENITAL, TYPE 1D; MUSCULAR DYSTROPHY-DYSTROGLYCANOPATHY (CONGENITAL WITH IMPAIRED INTELLECTUAL DEVELOPMENT), TYPE B, 6. Identifiers: MedGen C1837229, MONDO:0012138, OMIM 608840.

Allele frequency attached by ClinVar (database versions not stated): ExAC 0.00001; TOPMed 0.00002.
gnomAD v4.1: 5 of 1,613,958 alleles (0.00031%); highest among the groups gnomAD compares: Admixed American, 0.0017%; no homozygotes.

Submissions (2):

Labcorp Genetics (formerly Invitae), Labcorp
Classification: Uncertain significance for Muscular dystrophy-dystroglycanopathy type B6. Last evaluated: 2024-10-11. Review status: criteria provided, single submitter. Criteria: Invitae Variant Classification Sherloc (09022015). Collection method: clinical testing. Allele origin: germline.
Comment: This sequence change replaces asparagine, which is neutral and polar, with serine, which is neutral and polar, at codon 700 of the LARGE1 protein (p.Asn700Ser). This variant is present in population databases (rs201642924, gnomAD 0.006%). This variant has not been reported in the literature in individuals affected with LARGE1-related conditions. ClinVar contains an entry for this variant (Variation ID: 2284040). Invitae Evidence Modeling of protein sequence and biophysical properties (such as structural, functional, and spatial information, amino acid conservation, physicochemical variation, residue mobility, and thermodynamic stability) indicates that this missense variant is expected to disrupt LARGE1 protein function with a positive predictive value of 80%. In summary, the available evidence is currently insufficient to determine the role of this variant in disease. Therefore, it has been classified as a Variant of Uncertain Significance.

Ambry Genetics
Classification: Uncertain significance for Inborn genetic diseases. Last evaluated: 2022-05-15. Review status: criteria provided, single submitter. Criteria: Ambry Variant Classification Scheme 2023. Collection method: clinical testing. Allele origin: germline.